The following is an entry in ClinVar:

ClinVar aggregate classification (germline): Uncertain significance. Review status: criteria provided, multiple submitters, no conflicts (2 of 4 stars). 2 submissions from 2 submitters: Uncertain significance (2). Last evaluated 2024-09-25.

Allele frequency attached by ClinVar (database versions not stated): gnomAD 0.00001.

Submissions (2):

Blueprint Genetics
Classification: Uncertain significance. Last evaluated: 2024-09-25. Review status: criteria provided, single submitter. Criteria: ACMG Guidelines, 2015. Collection method: clinical testing. Allele origin: germline.

Labcorp Genetics (formerly Invitae), Labcorp
Classification: Uncertain significance. Last evaluated: 2022-04-24. Review status: criteria provided, single submitter. Criteria: Invitae Variant Classification Sherloc (09022015). Collection method: clinical testing. Allele origin: germline.
Comment: This sequence change replaces lysine, which is basic and polar, with glutamic acid, which is acidic and polar, at codon 632 of the CDHR1 protein (p.Lys632Glu). This variant is not present in population databases (gnomAD no frequency). This missense change has been observed in individual(s) with CDHR1-related conditions (Invitae). ClinVar contains an entry for this variant (Variation ID: 1026774). Advanced modeling of protein sequence and biophysical properties (such as structural, functional, and spatial information, amino acid conservation, physicochemical variation, residue mobility, and thermodynamic stability) performed at Invitae indicates that this missense variant is not expected to disrupt CDHR1 protein function. In summary, the available evidence is currently insufficient to determine the role of this variant in disease. Therefore, it has been classified as a Variant of Uncertain Significance.

NM_033100.4(CDHR1):c.1894A>G (p.Lys632Glu)

Gene: CDHR1 (cadherin related family member 1; plus strand). Cytogenetic location: 10q23.1.
Variant type: single nucleotide variant.
Coding change: c.1894A>G on transcript NM_033100.4 (MANE Select); coding-DNA position 1894, A replaced by G.
Protein change: p.Lys632Glu; replaces lysine 632 with glutamic acid.
Molecular consequence: missense variant.
Genome position (GRCh38, 1-based): chr10:84,213,202, A>G. VCF-style: chr10-84213202-A-G. GRCh37 (hg19) VCF-style: chr10-85972958-A-G.
Other names: c.1894A>G, p.Lys632Glu (NM_001171971.3); short protein forms K632E.
Identifiers: ClinVar variation 1026774 (VCV001026774.5), dbSNP rs866756953, ClinGen allele CA210387132.
Genomic context (GRCh38, chr10:84,213,202, plus strand): 5'-ACCCATGCAGAGCCCGCCAACGTGTTCGACATCAATTCCCACACGGGGGAGATCTGGCTC[A>G]AGAATTCCATCCGCTCCCTGGATGCCCTGCACAACATCACACCTGGAAGGGACTGCCTAT-3'
Protein context (NP_149091.1, residues 622-642): INSHTGEIWL[Lys632Glu]NSIRSLDALH